The following is an entry in ClinVar:

ClinVar aggregate classification (germline): Pathogenic. Review status: criteria provided, multiple submitters, no conflicts (2 of 4 stars). 3 submissions from 3 submitters: Pathogenic (2). 1 of the submissions does not count toward it. Last evaluated 2024-08-22.

Conditions:
Inborn genetic diseases. Identifiers: MedGen C0950123, MeSH D030342.
FGD1-related disorder. Also called: FGD1-related condition; FGD1-related disorders.

Submissions (3):

Blueprint Genetics
Classification: Pathogenic for FGD1-related disorders. Last evaluated: 2024-08-22. Review status: criteria provided, single submitter. Criteria: ACMG Guidelines, 2015. Collection method: clinical testing. Allele origin: germline. Affected: yes. Observed: 2 variant alleles.

Ambry Genetics
Classification: Pathogenic for Inborn genetic diseases. Last evaluated: 2021-07-23. Review status: criteria provided, single submitter. Criteria: Ambry Variant Classification Scheme 2023. Collection method: clinical testing. Allele origin: germline.
Comment: The c.1076delT (p.L359Rfs*10) alteration, located in exon 4 (coding exon 4) of the FGD1 gene, consists of a deletion of one nucleotide at position 1076, causing a translational frameshift with a predicted alternate stop codon after 10 amino acids. This alteration is expected to result in loss of function by premature protein truncation or nonsense-mediated mRNA decay. Based on data from the Genome Aggregation Database (gnomAD), the FGD1 c.1076delT alteration was not observed, with coverage at this position. Based on the available evidence, this alteration is classified as pathogenic.

PreventionGenetics, part of Exact Sciences
Classification: Likely pathogenic for FGD1-related condition. Last evaluated: 2023-11-17. Review status: no assertion criteria provided. Collection method: clinical testing. Allele origin: germline. Not counted in ClinVar's aggregate classification.
Comment: The FGD1 c.1076delT variant is predicted to result in a frameshift and premature protein termination (p.Leu359Argfs*10). To our knowledge, this variant has not been reported in the literature or in a large population database, indicating this variant is rare. Frameshift variants in FGD1 are expected to be pathogenic. This variant is interpreted as likely pathogenic.

NM_004463.3(FGD1):c.1076del (p.Leu359fs)

Gene: FGD1 (FYVE, RhoGEF and PH domain containing 1; minus strand). Cytogenetic location: Xp11.22.
Variant type: Deletion.
Coding change: c.1076del on transcript NM_004463.3 (MANE Select); coding-DNA position 1076, one base deleted (T; older notation c.1076delT).
Protein change: p.Leu359fs; shifts the reading frame from leucine 359.
Molecular consequence: frameshift variant.
Genome position (GRCh38, 1-based): chrX:54,470,041, A deleted on the plus strand (T on the coding strand, the reverse complement: FGD1 is on the minus strand). VCF-style (leftmost placement, unchanged base first): chrX-54470040-CA-C. GRCh37 (hg19) VCF-style: chrX-54496473-CA-C.
Other names: short protein forms L359fs.
Identifiers: ClinVar variation 2232264 (VCV002232264.5), dbSNP rs2499311959, ClinGen allele CA2580101241.